The following is an entry in ClinVar:

NM_018109.4(MTPAP):c.92G>A (p.Ser31Asn)

Genes: MTPAP (mitochondrial poly(A) polymerase; minus strand), LOC130003598 (ATAC-STARR-seq lymphoblastoid active region 3207; plus strand). Cytogenetic location: 10p11.23.
Variant type: single nucleotide variant.
Coding change: c.92G>A on transcript NM_018109.4 (MANE Select); coding-DNA position 92, G replaced by A.
Protein change: p.Ser31Asn; replaces serine 31 with asparagine.
Molecular consequence: missense variant.
Genome position (GRCh38, 1-based): chr10:30,349,184, C>T on the plus strand (G>A on the coding strand, the complement: MTPAP is on the minus strand). VCF-style: chr10-30349184-C-T. GRCh37 (hg19) VCF-style: chr10-30638113-C-T.
Other names: c.92G>A (NM_018109.3); short protein forms S31N.
Identifiers: ClinVar variation 2167850 (VCV002167850.4), dbSNP rs763190786, ClinGen allele CA5459291.
Genomic context (GRCh38, chr10:30,349,184, plus strand): 5'-TCCACGCTCCCTGAAGGCTGCTCGTCTCTCCTAAGGTCTTTGGCCACAGTTCCTGGGCAA[C>T]TCAAAAGCCTGACGATAGGCCGCTGGACTCGAGTTCTTCTCCGGGCACACAGGTTCAAAC-3'
Protein context (NP_060579.3, residues 21-41): RVQRPIVRLL[Ser31Asn]CPGTVAKDLR

ClinVar aggregate classification (germline): Uncertain significance. Review status: criteria provided, multiple submitters, no conflicts (2 of 4 stars). 2 submissions from 2 submitters: Uncertain significance (2). Last evaluated 2025-01-13.

Conditions:
Inborn genetic diseases. Identifiers: MedGen C0950123, MeSH D030342.

Allele frequency attached by ClinVar (database versions not stated): ExAC 0.00008; gnomAD 0.00010; TOPMed 0.00012.
gnomAD v4.1: 244 of 1,600,510 alleles (0.015%); highest among the groups gnomAD compares: Admixed American, 0.022%; no homozygotes.

Submissions (2):

Labcorp Genetics (formerly Invitae), Labcorp
Classification: Uncertain significance. Last evaluated: 2025-01-13. Review status: criteria provided, single submitter. Criteria: Invitae Variant Classification Sherloc (09022015). Collection method: clinical testing. Allele origin: germline.
Comment: This sequence change replaces serine, which is neutral and polar, with asparagine, which is neutral and polar, at codon 31 of the MTPAP protein (p.Ser31Asn). This variant is present in population databases (rs763190786, gnomAD 0.03%). This variant has not been reported in the literature in individuals affected with MTPAP-related conditions. ClinVar contains an entry for this variant (Variation ID: 2167850). An algorithm developed to predict the effect of missense changes on protein structure and function (PolyPhen-2) suggests that this variant¬†is likely to be tolerated. In summary, the available evidence is currently insufficient to determine the role of this variant in disease. Therefore, it has been classified as a Variant of Uncertain Significance.

Ambry Genetics
Classification: Uncertain significance for Inborn genetic diseases. Last evaluated: 2024-10-16. Review status: criteria provided, single submitter. Criteria: Ambry Variant Classification Scheme 2023. Collection method: clinical testing. Allele origin: germline.